The following is an entry in ClinVar:

ClinVar aggregate classification (germline): Uncertain significance (1 of 4 stars; one submission).

Allele frequency attached by ClinVar (database versions not stated): ExAC 0.00002; gnomAD exomes 0.00001.
gnomAD v4.1: 7 of 1,564,192 alleles (0.00045%); highest among the groups gnomAD compares: East Asian, 0.013%; no homozygotes.

Submission:

Women's Health and Genetics/Laboratory Corporation of America, LabCorp
Classification: Uncertain significance. Last evaluated: 2019-08-15. Review status: criteria provided, single submitter. Criteria: LabCorp Variant Classification Summary - May 2015. Collection method: clinical testing. Allele origin: germline.
Comment: Variant summary: PTPN11 c.642+19T>C alters a non-conserved nucleotide located close to a canonical splice site and therefore could affect mRNA splicing, leading to a significantly altered protein sequence. 5/5 computational tools predict no significant impact on normal splicing. However, these predictions have yet to be confirmed by functional studies. The variant allele was found at a frequency of 1.2e-05 in 250476 control chromosomes (gnomAD). The available data on variant occurrences in the general population are insufficient to allow any conclusion about variant significance. To our knowledge, no occurrence of c.642+19T>C in individuals affected with Noonan Syndrome and Related Conditions and no experimental evidence demonstrating its impact on protein function have been reported. No clinical diagnostic laboratories have submitted clinical-significance assessments for this variant to ClinVar after 2014. Based on the evidence outlined above, the variant was classified as VUS-possibly benign.

NM_002834.5(PTPN11):c.642+19T>C

Gene: PTPN11 (protein tyrosine phosphatase non-receptor type 11; plus strand). Cytogenetic location: 12q24.13.
Variant type: single nucleotide variant.
Coding change: c.642+19T>C on transcript NM_002834.5 (MANE Select); 19 bases into the intron after coding-DNA position 642, T replaced by C.
Molecular consequence: intron variant.
Genome position (GRCh38, 1-based): chr12:112,454,699, T>C. VCF-style: chr12-112454699-T-C. GRCh37 (hg19) VCF-style: chr12-112892503-T-C.
Other names: c.642+19T>C (NM_001330437.2, NM_080601.3); c.639+19T>C (NM_001374625.1).
Identifiers: ClinVar variation 928984 (VCV000928984.1), dbSNP rs772465708, ClinGen allele CA6798588.